The following is an entry in ClinVar:

NM_005475.3(SH2B3):c.1328G>A (p.Arg443His)

Gene: SH2B3 (SH2B adaptor protein 3; plus strand). Cytogenetic location: 12q24.12.
Variant type: single nucleotide variant.
Coding change: c.1328G>A on transcript NM_005475.3 (MANE Select); coding-DNA position 1328, G replaced by A.
Protein change: p.Arg443His; replaces arginine 443 with histidine.
Molecular consequence: missense variant.
Genome position (GRCh38, 1-based): chr12:111,447,747, G>A. VCF-style: chr12-111447747-G-A. GRCh37 (hg19) VCF-style: chr12-111885551-G-A.
Other names: c.722G>A, p.Arg241His (NM_001291424.1); short protein forms R241H, R443H.
Identifiers: ClinVar variation 4630742 (VCV004630742.1).

ClinVar aggregate classification (germline): Uncertain significance (1 of 4 stars; one submission).

Conditions:
Inborn genetic diseases. Identifiers: MedGen C0950123, MeSH D030342.

Submission:

Ambry Genetics
Classification: Uncertain significance for Inborn genetic diseases. Last evaluated: 2025-10-31. Review status: criteria provided, single submitter. Criteria: Ambry Variant Classification Scheme 2023. Collection method: clinical testing. Allele origin: germline.
Comment: The p.R443H variant (also known as c.1328G>A), located in coding exon 6 of the SH2B3 gene, results from a G to A substitution at nucleotide position 1328. The arginine at codon 443 is replaced by histidine, an amino acid with highly similar properties. This amino acid position is conserved. In addition, this alteration is predicted to be tolerated by in silico analysis. Based on the available evidence, the clinical significance of this variant remains unclear.